The following is an entry in ClinVar:

ClinVar aggregate classification (germline): Likely pathogenic (1 of 4 stars; one submission).

Conditions:
Rubinstein-Taybi syndrome (RSTS). Identifiers: Orphanet 783, MedGen C0035934, MONDO:0019188.

Submission:

Labcorp Genetics (formerly Invitae), Labcorp
Classification: Likely pathogenic for Rubinstein-Taybi syndrome. Last evaluated: 2021-12-19. Review status: criteria provided, single submitter. Criteria: Invitae Variant Classification Sherloc (09022015). Collection method: clinical testing. Allele origin: germline.
Comment: In summary, the currently available evidence indicates that the variant is pathogenic, but additional data are needed to prove that conclusively. Therefore, this variant has been classified as Likely Pathogenic. This variant has not been reported in the literature in individuals affected with CREBBP-related conditions. This variant results in the deletion of part of exon 8 (c.1686_1824-708del) of the CREBBP gene. It is expected to disrupt RNA splicing. Variants that disrupt the donor or acceptor splice site typically lead to a loss of protein function (PMID: 16199547), and loss-of-function variants in CREBBP are known to be pathogenic (PMID: 17052327, 18792986).

Literature cited by the submitters: PubMed 16199547; PubMed 17052327; PubMed 18792986.

NC_000016.9:g.(?_3829526)_(3830870_?)del

Gene: CREBBP (CREB binding lysine acetyltransferase; minus strand). Cytogenetic location: 16p13.3.
Variant type: Deletion.
Identifiers: ClinVar variation 2425096 (VCV002425096.4).